The following is an entry in ClinVar:

NM_001148.6(ANK2):c.1673T>C (p.Leu558Ser)

Gene: ANK2 (ankyrin 2; plus strand). Cytogenetic location: 4q26.
Variant type: single nucleotide variant.
Coding change: c.1673T>C on transcript NM_001148.6 (MANE Select); coding-DNA position 1673, T replaced by C.
Protein change: p.Leu558Ser; replaces leucine 558 with serine.
Molecular consequence: missense variant.
Genome position (GRCh38, 1-based): chr4:113,274,639, T>C. VCF-style: chr4-113274639-T-C. GRCh37 (hg19) VCF-style: chr4-114195795-T-C.
Other names: c.1610T>C, p.Leu537Ser (NM_001127493.3, NM_001354239.2, NM_001354243.2 and 14 more transcripts); c.1673T>C, p.Leu558Ser (NM_001354225.2, NM_001354228.2, NM_001354232.2 and 8 more transcripts); c.1718T>C, p.Leu573Ser (NM_001354230.2, NM_001354231.2, NM_001354237.2 and 5 more transcripts); c.1586T>C, p.Leu529Ser (NM_001354249.2, NM_001354260.2, NM_001354264.2 and 13 more transcripts); c.1631T>C, p.Leu544Ser (NM_001354261.2, NM_001386147.1, NM_001386160.1); c.1463T>C, p.Leu488Ser (NM_001354269.3); c.1475T>C, p.Leu492Ser (NM_001354273.2); c.1388T>C, p.Leu463Ser (NM_001354277.2, NM_001386157.1, NM_001386158.1); and 4 more; short protein forms L537S, L558S, L463S, L529S, L492S, L488S, L544S, L573S.
Identifiers: ClinVar variation 384318 (VCV000384318.16), dbSNP rs139199018, ClinGen allele CA3050334.
Genomic context (GRCh38, chr4:113,274,639, plus strand): 5'-CCCGGGAGGGCCAGGTGGATGTGGCATCAGTCCTATTGGAAGCAGGAGCAGCCCACTCCT[T>C]AGCTACCAAGGTAAGGAGAATGACATCATGAGAACATGGACCAAGAGGATTCCTAAGTCA-3'
Protein context (NP_001139.3, residues 548-568): VLLEAGAAHS[Leu558Ser]ATKKGFTPLH

ClinVar aggregate classification (germline): Conflicting classifications of pathogenicity. Review status: criteria provided, conflicting classifications (1 of 4 stars). 6 submissions from 6 submitters: Uncertain significance (3); Likely benign (1). 2 of the submissions do not count toward it. Last evaluated 2025-09-13.

Conditions:
Cardiac arrhythmia, ankyrin-B-related. Also called: ANKYRIN-B SYNDROME. Identifiers: Orphanet 101016, Orphanet 768, MedGen C1970119, MONDO:0010958, OMIM 600919.
Cardiovascular phenotype. Identifiers: MedGen CN230736.
Long QT syndrome (LQTS). Identifiers: MedGen C0023976, MeSH D008133, MONDO:0002442. Disease mechanism: loss of function. Inheritance: Various modes of inheritance.

Allele frequency attached by ClinVar (database versions not stated): gnomAD exomes 0.00004 and 0.00001; gnomAD 0.00010 and 0.00011; ExAC 0.00003; TOPMed 0.00011; ESP Exome Variant Server 0.00015.
gnomAD v4.1: 34 of 1,614,006 alleles (0.0021%); highest among the groups gnomAD compares: African/African-American, 0.044%; no homozygotes.

Submissions (6):

Labcorp Genetics (formerly Invitae), Labcorp
Classification: Uncertain significance for Long QT syndrome. Last evaluated: 2025-09-13. Review status: criteria provided, single submitter. Criteria: Invitae Variant Classification Sherloc (09022015). Collection method: clinical testing. Allele origin: germline.
Comment: This sequence change replaces leucine, which is neutral and non-polar, with serine, which is neutral and polar, at codon 558 of the ANK2 protein (p.Leu558Ser). This variant is present in population databases (rs139199018, gnomAD 0.05%). This variant has not been reported in the literature in individuals affected with ANK2-related conditions. ClinVar contains an entry for this variant (Variation ID: 384318). Invitae Evidence Modeling of protein sequence and biophysical properties (such as structural, functional, and spatial information, amino acid conservation, physicochemical variation, residue mobility, and thermodynamic stability) indicates that this missense variant is not expected to disrupt ANK2 protein function with a negative predictive value of 80%. In summary, the available evidence is currently insufficient to determine the role of this variant in disease. Therefore, it has been classified as a Variant of Uncertain Significance.

Ambry Genetics
Classification: Likely benign for Cardiovascular phenotype. Last evaluated: 2024-06-05. Review status: criteria provided, single submitter. Criteria: Ambry Variant Classification Scheme 2023. Collection method: clinical testing. Allele origin: germline.

GeneDx
Classification: Uncertain significance. Last evaluated: 2024-02-05. Review status: criteria provided, single submitter. Criteria: GeneDx Variant Classification Process June 2021. Collection method: clinical testing. Allele origin: germline. Affected: yes.
Comment: Has not been previously published as pathogenic or benign to our knowledge; In silico analysis supports that this missense variant has a deleterious effect on protein structure/function

Fulgent Genetics
Classification: Uncertain significance for Cardiac arrhythmia, ankyrin-B-related. Last evaluated: 2021-09-08. Review status: criteria provided, single submitter. Criteria: ACMG Guidelines, 2015. Collection method: clinical testing. Allele origin: unknown.

Clinical Molecular Genetics Laboratory, Johns Hopkins All Children's Hospital
Classification: Uncertain significance. Last evaluated: 2017-08-23. Review status: no assertion criteria provided. Collection method: clinical testing. Allele origin: germline. Affected: yes. Not counted in ClinVar's aggregate classification.

Division of Human Genetics, Children's Hospital of Philadelphia
Classification: Uncertain significance for Cardiac arrhythmia, ankyrin-B-related. Last evaluated: 2016-04-27. Review status: no assertion criteria provided. Collection method: research. Allele origin: paternal. Affected: yes. Study: CSER-PediSeq. Not counted in ClinVar's aggregate classification.